The following is an entry in ClinVar:

ClinVar aggregate classification (germline): Uncertain significance (1 of 4 stars; one submission).

Conditions:
Inborn genetic diseases. Identifiers: MedGen C0950123, MeSH D030342.

Submission:

Ambry Genetics
Classification: Uncertain significance for Inborn genetic diseases. Last evaluated: 2025-07-06. Review status: criteria provided, single submitter. Criteria: Ambry Variant Classification Scheme 2023. Collection method: clinical testing. Allele origin: germline.
Comment: The p.Q816H variant (also known as c.2448G>C), located in coding exon 20 of the DNMT3A gene, results from a G to C substitution at nucleotide position 2448. The glutamine at codon 816 is replaced by histidine, an amino acid with highly similar properties. This amino acid position is conserved. In addition, this alteration is predicted to be deleterious by in silico analysis. Based on the available evidence, the clinical significance of this variant remains unclear.

NM_022552.5(DNMT3A):c.2448G>C (p.Gln816His)

Gene: DNMT3A (DNA methyltransferase 3 alpha; minus strand). Cytogenetic location: 2p23.3.
Variant type: single nucleotide variant.
Coding change: c.2448G>C on transcript NM_022552.5 (MANE Select); coding-DNA position 2448, G replaced by C.
Protein change: p.Gln816His; replaces glutamine 816 with histidine.
Molecular consequence: missense variant. On other transcripts: non-coding transcript variant (1).
Genome position (GRCh38, 1-based): chr2:25,236,966, C>G on the plus strand (G>C on the coding strand, the complement: DNMT3A is on the minus strand). VCF-style: chr2-25236966-C-G. GRCh37 (hg19) VCF-style: chr2-25459835-C-G.
Other names: c.1992G>C, p.Gln664His (NM_001320893.1); c.1779G>C, p.Gln593His (NM_001375819.1); c.1881G>C, p.Gln627His (NM_153759.3); c.2448G>C, p.Gln816His (NM_175629.2); short protein forms Q627H, Q816H, Q593H, Q664H.
Identifiers: ClinVar variation 4243593 (VCV004243593.1).